The following is an entry in ClinVar:

ClinVar aggregate classification (germline): Uncertain significance. Review status: criteria provided, multiple submitters, no conflicts (2 of 4 stars). 2 submissions from 2 submitters: Uncertain significance (2). Last evaluated 2025-11-29.

Submissions (2):

GeneDx
Classification: Uncertain significance. Last evaluated: 2025-11-29. Review status: criteria provided, single submitter. Criteria: GeneDx Variant Classification Process June 2021. Collection method: clinical testing. Allele origin: germline.
Comment: Not observed at significant frequency in large population cohorts (gnomAD); In silico analysis suggests that this variant does not alter splicing; Has not been previously published as pathogenic or benign to our knowledge

Blueprint Genetics
Classification: Uncertain significance. Last evaluated: 2022-01-14. Review status: criteria provided, single submitter. Criteria: ACMG Guidelines, 2015. Collection method: clinical testing. Allele origin: germline.

NM_020338.4(ZMIZ1):c.1808+5G>A

Gene: ZMIZ1 (zinc finger MIZ-type containing 1; plus strand). Cytogenetic location: 10q22.3.
Variant type: single nucleotide variant.
Coding change: c.1808+5G>A on transcript NM_020338.4 (MANE Select); 5 bases into the intron after coding-DNA position 1808, G replaced by A.
Molecular consequence: intron variant.
Genome position (GRCh38, 1-based): chr10:79,299,196, G>A. VCF-style: chr10-79299196-G-A. GRCh37 (hg19) VCF-style: chr10-81058953-G-A.
Identifiers: ClinVar variation 3767591 (VCV003767591.3).